The following is an entry in ClinVar:

ClinVar aggregate classification (germline): Pathogenic. Review status: criteria provided, multiple submitters, no conflicts (2 of 4 stars). 10 submissions from 10 submitters: Pathogenic (9). 1 of the submissions does not count toward it. Last evaluated 2026-01-07.

Conditions:
BCKDHB-related disorder. Also called: BCKDHB-related condition.
Maple syrup urine disease type 1A (MSUD1A). Also called: MSUD type 1A. Identifiers: MedGen C1855369, MONDO:0023691, OMIM 248600.
Maple syrup urine disease type 1B (MSUD1B). Also called: MSUD type IB; MSUD type 3 (formerly); MSUD due to deficiency of e1-beta subunit of branched-chain alpha-keto acid dehydrogenase complex. Identifiers: MedGen C2930990, MONDO:0023692, OMIM 620698.
Maple syrup urine disease (MSUD). Identifiers: Orphanet 511, MedGen C0024776, MeSH D008375, MONDO:0009563. Disease mechanism: loss of function.

Submissions (10):

Natera, Inc.
Classification: Pathogenic for Maple syrup urine disease type 1B. Last evaluated: 2026-01-07. Review status: criteria provided, single submitter. Criteria: Natera Variant Classification Schema (03/2026). Collection method: clinical testing. Allele origin: germline.
Comment: The c.595_596delAG variant in BCKDHB is a frameshift variant predicted to shift the reading frame and introduce a stop codon. This variant is expected to result in nonsense mediated decay, truncation, or a dysfunctional protein product. This variant is rare in the general population with a frequency below the threshold expected for the associated phenotype(s). This variant has been observed in one or more individuals affected with the associated recessive disease, as either homozygous or compound heterozygous with a second variant (PMID: 18378174). Given the available evidence, this variant is classified as Pathogenic.

Labcorp Genetics (formerly Invitae), Labcorp
Classification: Pathogenic for Maple syrup urine disease. Last evaluated: 2025-09-03. Review status: criteria provided, single submitter. Criteria: Invitae Variant Classification Sherloc (09022015). Collection method: clinical testing. Allele origin: germline.
Comment: This sequence change creates a premature translational stop signal (p.Pro200*) in the BCKDHB gene. It is expected to result in an absent or disrupted protein product. Loss-of-function variants in BCKDHB are known to be pathogenic (PMID: 16786533, 22593002). This variant is present in population databases (rs764738271, gnomAD 0.006%). This premature translational stop signal has been observed in individuals with maple syrup urine disease (PMID: 14517957, 18378174, 24791375, 26232051). ClinVar contains an entry for this variant (Variation ID: 96599). For these reasons, this variant has been classified as Pathogenic.

GeneDx
Classification: Pathogenic. Last evaluated: 2025-03-06. Review status: criteria provided, single submitter. Criteria: GeneDx Variant Classification Process June 2021. Collection method: clinical testing. Allele origin: germline. Affected: yes.
Comment: Nonsense variant predicted to result in protein truncation or nonsense mediated decay in a gene for which loss of function is a known mechanism of disease; Not observed at significant frequency in large population cohorts (gnomAD); This variant is associated with the following publications: (PMID: 26232051, 34288399, 24791375, 26786177, 33300147, 39659154, 33131499, 31980395, 33955723, 29740775, 14517957)

Blueprint Genetics
Classification: Pathogenic for BCKDHB-related disorders. Last evaluated: 2024-11-04. Review status: criteria provided, single submitter. Criteria: ACMG Guidelines, 2015. Collection method: clinical testing. Allele origin: germline. Affected: yes. Observed: 3 variant alleles.

Fulgent Genetics
Classification: Pathogenic for Maple syrup urine disease type 1B. Last evaluated: 2024-06-16. Review status: criteria provided, single submitter. Criteria: ACMG Guidelines, 2015. Collection method: clinical testing. Allele origin: germline.

Genome-Nilou Lab
Classification: Pathogenic for Maple syrup urine disease type 1A. Last evaluated: 2021-11-07. Review status: criteria provided, single submitter. Criteria: ACMG Guidelines, 2015. Collection method: clinical testing. Allele origin: germline. Affected: no.

Women's Health and Genetics/Laboratory Corporation of America, LabCorp
Classification: Pathogenic for Maple syrup urine disease type 1B. Last evaluated: 2018-09-10. Review status: criteria provided, single submitter. Criteria: LabCorp Variant Classification Summary - May 2015. Collection method: clinical testing. Allele origin: germline.
Comment: Variant summary: BCKDHB c.595_596delAG (p.Pro200X) results in a premature termination codon, predicted to cause a truncation of the encoded protein or absence of the protein due to nonsense mediated decay, which are commonly known mechanisms for disease. The variant allele was found at a frequency of 2.5e-05 in 277088 control chromosomes (gnomAD). c.595_596delAG has been reported in the literature in multiple individuals affected with Maple Syrup Urine Disease Type 1B (e.g. Henneke 2003, Rodriguez-Pombo 2006). These data indicate that the variant is very likely to be associated with disease. At least two publications reported experimental evidence evaluating an impact on protein function. The most pronounced variant effect results in <10% of normal activity (Henneke 2003, Rodriguez-Pombo 2006). One clinical diagnostic laboratory has submitted clinical-significance assessments for this variant to ClinVar after 2014 without evidence for independent evaluation, and classified the variant as pathogenic. Based on the evidence outlined above, the variant was classified as pathogenic.

Illumina Laboratory Services, Illumina
Classification: Pathogenic for Maple syrup urine disease type 1A. Last evaluated: 2016-10-28. Review status: criteria provided, single submitter. Criteria: ICSL Variant Classification Criteria 09 May 2019. Collection method: clinical testing. Allele origin: germline.
Comment: The BCKDHB c.595_596delAG (p.Pro200Ter) variant is a frameshift variant that is predicted to result in premature termination of the protein. This variant has been identified in at least nine patients with maple syrup urine disease (MSUD), including in one patient in a homozygous state and in eight patients in a compound heterozygous state (Henneke et al. 2003; RodrÃ­guez-Pombo et al. 2006; Quental et al. 2008; Couce et al. 2015; Feier et al. 2016). Across the available literature, this variant was absent from 150 controls. The p.Pro200Ter variant is reported at a frequency of 0.00012 in the European American population of the Exome Sequencing Project, which is based on only one allele in an area of good sequence coverage so the variant is presumed to be rare. Many patients identified with this variant were described as having a classic MSUD phenotype, exhibiting significantly reduced BCKD enzyme activity when compared to controls. Based on the evidence, the p.Pro200Ter variant is classified as pathogenic for maple syrup urine disease. This variant was observed by ICSL as part of a predisposition screen in an ostensibly healthy population.

Eurofins Ntd Llc (ga)
Classification: Pathogenic. Last evaluated: 2013-08-23. Review status: criteria provided, single submitter. Criteria: EGL Classification Definitions. Collection method: clinical testing. Allele origin: germline. Observed: 3 variant alleles, 3 heterozygotes.

Counsyl
Classification: Likely pathogenic for Maple syrup urine disease type 1A. Last evaluated: 2014-01-02. Review status: no assertion criteria provided. Collection method: clinical testing. Allele origin: unknown. Not counted in ClinVar's aggregate classification.

Literature cited by the submitters: PubMed 18378174 (cited by 3 submitters); PubMed 16786533 (cited by 3 submitters); PubMed 22593002 (cited by Labcorp Genetics (formerly Invitae), Labcorp); PubMed 14517957 (cited by 3 submitters); PubMed 24791375 (cited by Labcorp Genetics (formerly Invitae), Labcorp); PubMed 26232051 (cited by Labcorp Genetics (formerly Invitae), Labcorp and Illumina Laboratory Services, Illumina); PubMed 26786177 (cited by Illumina Laboratory Services, Illumina); PubMed 4517957 (cited by Counsyl); PubMed 167866533 (cited by Counsyl).

NM_183050.4(BCKDHB):c.595_596del (p.Ser199_Pro200insTer)

Gene: BCKDHB (branched chain keto acid dehydrogenase E1 subunit beta; plus strand). Cytogenetic location: 6q14.1.
Variant type: Microsatellite.
Coding change: c.595_596del on transcript NM_183050.4 (MANE Select); coding-DNA positions 595 to 596, 2 bases deleted (AG; older notation c.595_596delAG).
Protein change: p.Ser199_Pro200insTer.
Molecular consequence: frameshift variant. On other transcripts: non-coding transcript variant (1).
Genome position (GRCh38, 1-based): chr6:80,168,992-80,168,993, AG deleted; deleting any 2 consecutive bases within chr6:80,168,990-80,168,993 gives the same sequence; the c. name uses the placement nearest the transcript's 3' end. VCF-style (leftmost placement, unchanged base first): chr6-80168989-CAG-C. GRCh37 (hg19) VCF-style: chr6-80878706-CAG-C.
Other names: c.595_596delAG (NM_183050.4, NM_183050.3); c.595_596del, p.Ser199_Pro200insTer (NM_000056.5); c.385_386del, p.Ser129_Pro130insTer (NM_001318975.1); c.595_596del (NM_183050.2).
Identifiers: ClinVar variation 96599 (VCV000096599.31), dbSNP rs398124587, ClinGen allele CA224325.